The following is an entry in ClinVar:

NM_003079.5(SMARCE1):c.1207C>A (p.Pro403Thr)

Gene: SMARCE1 (SWI/SNF related BAF chromatin remodeling complex subunit E1; minus strand). Cytogenetic location: 17q21.2.
Variant type: single nucleotide variant.
Coding change: c.1207C>A on transcript NM_003079.5 (MANE Select); coding-DNA position 1207, C replaced by A.
Protein change: p.Pro403Thr; replaces proline 403 with threonine.
Molecular consequence: missense variant.
Genome position (GRCh38, 1-based): chr17:40,628,814, G>T on the plus strand (C>A on the coding strand, the complement: SMARCE1 is on the minus strand). VCF-style: chr17-40628814-G-T. GRCh37 (hg19) VCF-style: chr17-38785066-G-T.
Other names: short protein forms P403T.
Identifiers: ClinVar variation 4864863 (VCV004864863.1).

ClinVar aggregate classification (germline): Uncertain significance (1 of 4 stars; one submission).

Conditions:
Hereditary cancer-predisposing syndrome. Also called: Neoplastic Syndromes, Hereditary; Tumor predisposition; Hereditary Cancer Syndrome; Hereditary neoplastic syndrome. Identifiers: Orphanet 140162, MedGen C0027672, MeSH D009386, MONDO:0015356.

Submission:

Ambry Genetics
Classification: Uncertain significance for Hereditary cancer-predisposing syndrome. Last evaluated: 2026-04-12. Review status: criteria provided, single submitter. Criteria: Ambry Variant Classification Scheme 2023. Collection method: clinical testing. Allele origin: germline.
Comment: The p.P403T variant (also known as c.1207C>A), located in coding exon 10 of the SMARCE1 gene, results from a C to A substitution at nucleotide position 1207. The proline at codon 403 is replaced by threonine, an amino acid with highly similar properties. This amino acid position is conserved. In addition, this alteration is predicted to be tolerated by in silico analysis. Based on the available evidence, the clinical significance of this variant remains unclear.